The following is an entry in ClinVar:

NM_001142864.4(PIEZO1):c.4024A>T (p.Ile1342Leu)

Gene: PIEZO1 (piezo type mechanosensitive ion channel component 1 (Er blood group); minus strand). Cytogenetic location: 16q24.3.
Variant type: single nucleotide variant.
Coding change: c.4024A>T on transcript NM_001142864.4 (MANE Select); coding-DNA position 4024, A replaced by T.
Protein change: p.Ile1342Leu; replaces isoleucine 1342 with leucine.
Molecular consequence: missense variant.
Genome position (GRCh38, 1-based): chr16:88,725,629, T>A on the plus strand (A>T on the coding strand, the complement: PIEZO1 is on the minus strand). VCF-style: chr16-88725629-T-A. GRCh37 (hg19) VCF-style: chr16-88792037-T-A.
Other names: c.2566A>T, p.Ile856Leu (NM_014745.1); short protein forms I1342L, I856L.
Identifiers: ClinVar variation 2726560 (VCV002726560.3), dbSNP rs2507870149, ClinGen allele CA397101044.

ClinVar aggregate classification (germline): Uncertain significance (1 of 4 stars; one submission).

Submission:

Labcorp Genetics (formerly Invitae), Labcorp
Classification: Uncertain significance. Last evaluated: 2023-10-03. Review status: criteria provided, single submitter. Criteria: Invitae Variant Classification Sherloc (09022015). Collection method: clinical testing. Allele origin: germline.
Comment: This sequence change replaces isoleucine, which is neutral and non-polar, with leucine, which is neutral and non-polar, at codon 1342 of the PIEZO1 protein (p.Ile1342Leu). This variant is not present in population databases (gnomAD no frequency). This variant has not been reported in the literature in individuals affected with PIEZO1-related conditions. Advanced modeling of protein sequence and biophysical properties (such as structural, functional, and spatial information, amino acid conservation, physicochemical variation, residue mobility, and thermodynamic stability) performed at Invitae indicates that this missense variant is not expected to disrupt PIEZO1 protein function. Algorithms developed to predict the effect of sequence changes on RNA splicing suggest that this variant may disrupt the consensus splice site. In summary, the available evidence is currently insufficient to determine the role of this variant in disease. Therefore, it has been classified as a Variant of Uncertain Significance.